The following is an entry in ClinVar:

NM_000059.4(BRCA2):c.1041_1053del (p.Gln347fs)

Gene: BRCA2 (BRCA2 DNA repair associated; plus strand). Cytogenetic location: 13q13.1.
Variant type: Deletion.
Coding change: c.1041_1053del on transcript NM_000059.4 (MANE Select); coding-DNA positions 1041 to 1053, 13 bases deleted (AGTGAAAGAAAAA).
Protein change: p.Gln347fs; shifts the reading frame from glutamine 347.
Molecular consequence: frameshift variant. On other transcripts: non-coding transcript variant (1), intron variant (1).
Genome position (GRCh38, 1-based): chr13:32,332,519-32,332,531, AGTGAAAGAAAAA deleted; deleting any 13 consecutive bases within chr13:32,332,518-32,332,531 gives the same sequence; the c. name uses the placement nearest the transcript's 3' end. VCF-style (leftmost placement, unchanged base first): chr13-32332517-CAAGTGAAAGAAAA-C. GRCh37 (hg19) VCF-style: chr13-32906654-CAAGTGAAAGAAAA-C.
Other names: c.1041_1053del, p.Gln347fs (NM_001406719.1, NM_001406720.1, NM_001406721.1); c.424+1489_424+1501del (NM_001406722.1); short protein forms Q347fs.
Identifiers: ClinVar variation 2820604 (VCV002820604.3), dbSNP rs2548519412, ClinGen allele CA2739277584.
Genomic context (GRCh38, chr13:32,332,517, plus strand): 5'-AAGACTAGGAAAAAAATTTTCCATGAAGCAAACGCTGATGAATGTGAAAAATCTAAAAAC[CAAGTGAAAGAAAA>C]ATACTCATTTGTATCTGAAGTGGAACCAAATGATACTGATCCATTAGATTCAAATGTAGC-3'

ClinVar aggregate classification (germline): Pathogenic (1 of 4 stars; one submission).

Conditions:
Hereditary breast ovarian cancer syndrome. Also called: Hereditary breast and ovarian cancer; BRCA1- and BRCA2-Associated Hereditary Breast and Ovarian Cancer; Hereditary breast and ovarian cancer syndrome; Breast and ovarian cancer; Hereditary breast and ovarian cancer syndrome (HBOC); Hereditary breast and/or ovarian cancer syndrome. Identifiers: Orphanet 145, MedGen C0677776, MeSH D061325, MONDO:0003582. Disease mechanism: loss of function.

Submission:

Labcorp Genetics (formerly Invitae), Labcorp
Classification: Pathogenic for Hereditary breast ovarian cancer syndrome. Last evaluated: 2023-01-27. Review status: criteria provided, single submitter. Criteria: Invitae Variant Classification Sherloc (09022015). Collection method: clinical testing. Allele origin: germline.
Comment: For these reasons, this variant has been classified as Pathogenic. This variant has not been reported in the literature in individuals affected with BRCA2-related conditions. This variant is not present in population databases (gnomAD no frequency). This sequence change creates a premature translational stop signal (p.Gln347Hisfs*16) in the BRCA2 gene. It is expected to result in an absent or disrupted protein product. Loss-of-function variants in BRCA2 are known to be pathogenic (PMID: 20104584).

Literature cited by the submitters: PubMed 20104584.